The following is an entry in ClinVar:

ClinVar aggregate classification (germline): Uncertain significance (1 of 4 stars; one submission).

Submission:

Labcorp Genetics (formerly Invitae), Labcorp
Classification: Uncertain significance. Last evaluated: 2025-08-20. Review status: criteria provided, single submitter. Criteria: Invitae Variant Classification Sherloc (09022015). Collection method: clinical testing. Allele origin: germline.
Comment: This sequence change replaces proline, which is neutral and non-polar, with serine, which is neutral and polar, at codon 892 of the ADNP protein (p.Pro892Ser). This variant is not present in population databases (gnomAD no frequency). This variant has not been reported in the literature in individuals affected with ADNP-related conditions. An algorithm developed to predict the effect of missense changes on protein structure and function (PolyPhen-2) suggests that this variant is likely to be tolerated. In summary, the available evidence is currently insufficient to determine the role of this variant in disease. Therefore, it has been classified as a Variant of Uncertain Significance.

NM_001282531.3(ADNP):c.2674C>T (p.Pro892Ser)

Gene: ADNP (activity dependent neuroprotector homeobox; minus strand). Cytogenetic location: 20q13.13.
Variant type: single nucleotide variant.
Coding change: c.2674C>T on transcript NM_001282531.3 (MANE Select); coding-DNA position 2674, C replaced by T.
Protein change: p.Pro892Ser; replaces proline 892 with serine.
Molecular consequence: missense variant.
Genome position (GRCh38, 1-based): chr20:50,892,040, G>A on the plus strand (C>T on the coding strand, the complement: ADNP is on the minus strand). VCF-style: chr20-50892040-G-A. GRCh37 (hg19) VCF-style: chr20-49508577-G-A.
Other names: c.2674C>T, p.Pro892Ser (NM_001282532.2, NM_001347511.2, NM_015339.5 and 1 more transcripts); c.2890C>T, p.Pro964Ser (NM_001439000.1); c.1990C>T, p.Pro664Ser (NM_001439001.1); short protein forms P664S, P892S, P964S.
Identifiers: ClinVar variation 4725431 (VCV004725431.1).
Genomic context (GRCh38, chr20:50,892,040, plus strand): 5'-CATGTTCCTCTGGGTTATCGTTAGAGATTTTAGGTTCAACTTCAAAAACAGGGTCAAAAG[G>A]GCTACCACTTTCATTGGATTCTTCTTCCAAATTTTCAAAACTGTCTGAGGAACTGTCATC-3'
Protein context (NP_001269460.1, residues 882-902): LEEESNESGS[Pro892Ser]FDPVFEVEPK